The following is an entry in ClinVar:

NM_000085.5(CLCNKB):c.172G>T (p.Val58Leu)

Genes: CLCNKB (chloride voltage-gated channel Kb; plus strand), LOC106501713 (CLCNKB recombination region; plus strand). Cytogenetic location: 1p36.13.
Variant type: single nucleotide variant.
Coding change: c.172G>T on transcript NM_000085.5 (MANE Select); coding-DNA position 172, G replaced by T.
Protein change: p.Val58Leu; replaces valine 58 with leucine.
Molecular consequence: missense variant.
Genome position (GRCh38, 1-based): chr1:16,045,629, G>T. VCF-style: chr1-16045629-G-T. GRCh37 (hg19) VCF-style: chr1-16372124-G-T.
Other names: c.172G>T (NM_000085.3); short protein forms V58L.
Identifiers: ClinVar variation 713438 (VCV000713438.14), dbSNP rs144043939, ClinGen allele CA623199.

ClinVar aggregate classification (germline): Conflicting classifications of pathogenicity. Review status: criteria provided, conflicting classifications (1 of 4 stars). 3 submissions from 3 submitters: Uncertain significance (2); Likely benign (1). Last evaluated 2026-01-05.

Conditions:
Inborn genetic diseases. Identifiers: MedGen C0950123, MeSH D030342.

Allele frequency attached by ClinVar (database versions not stated): TOPMed 0.00026; gnomAD 0.00029 and 0.00031; ExAC 0.00044; ESP Exome Variant Server 0.00069.
gnomAD v4.1: 420 of 1,614,002 alleles (0.026%); highest among the groups gnomAD compares: Non-Finnish European, 0.013%; 7 homozygotes.

Submissions (3):

Labcorp Genetics (formerly Invitae), Labcorp
Classification: Likely benign. Last evaluated: 2026-01-05. Review status: criteria provided, single submitter. Criteria: Invitae Variant Classification Sherloc (09022015). Collection method: clinical testing. Allele origin: germline.

GeneDx
Classification: Uncertain significance. Last evaluated: 2024-12-05. Review status: criteria provided, single submitter. Criteria: GeneDx Variant Classification Process June 2021. Collection method: clinical testing. Allele origin: germline. Affected: yes.
Comment: In silico analysis indicates that this missense variant does not alter protein structure/function; Has not been previously published as pathogenic or benign to our knowledge

Ambry Genetics
Classification: Uncertain significance for Inborn genetic diseases. Last evaluated: 2021-07-20. Review status: criteria provided, single submitter. Criteria: Ambry Variant Classification Scheme 2023. Collection method: clinical testing. Allele origin: germline.